The following is an entry in ClinVar:

ClinVar aggregate classification (germline): Uncertain significance. Review status: criteria provided, multiple submitters, no conflicts (2 of 4 stars). 2 submissions from 2 submitters: Uncertain significance (2). Last evaluated 2026-05-05.

Conditions:
DICER1-related tumor predisposition. Also called: DICER1 syndrome; DICER1-related pleuropulmonary blastoma cancer predisposition syndrome. Identifiers: Orphanet 284343, MedGen C3839822, MONDO:0100216.
Hereditary cancer-predisposing syndrome. Also called: Tumor predisposition; Hereditary Cancer Syndrome; Neoplastic Syndromes, Hereditary; Hereditary neoplastic syndrome. Identifiers: Orphanet 140162, MedGen C0027672, MeSH D009386, MONDO:0015356.

Submissions (2):

Ambry Genetics
Classification: Uncertain significance for Hereditary cancer-predisposing syndrome. Last evaluated: 2026-05-05. Review status: criteria provided, single submitter. Criteria: Ambry Variant Classification Scheme 2023. Collection method: clinical testing. Allele origin: germline.
Comment: The p.R1790K variant (also known as c.5369G>A), located in coding exon 24 of the DICER1 gene, results from a G to A substitution at nucleotide position 5369. The arginine at codon 1790 is replaced by lysine, an amino acid with highly similar properties. This amino acid position is highly conserved in available vertebrate species. In addition, the in silico prediction for this alteration is inconclusive. Based on the available evidence, the clinical significance of this variant remains unclear.

Labcorp Genetics (formerly Invitae), Labcorp
Classification: Uncertain significance for DICER1-related tumor predisposition. Last evaluated: 2022-05-11. Review status: criteria provided, single submitter. Criteria: Invitae Variant Classification Sherloc (09022015). Collection method: clinical testing. Allele origin: germline.
Comment: This variant has not been reported in the literature in individuals affected with DICER1-related conditions. In summary, the available evidence is currently insufficient to determine the role of this variant in disease. Therefore, it has been classified as a Variant of Uncertain Significance. Algorithms developed to predict the effect of sequence changes on RNA splicing suggest that this variant may disrupt the consensus splice site. Algorithms developed to predict the effect of missense changes on protein structure and function are either unavailable or do not agree on the potential impact of this missense change (SIFT: "Tolerated"; PolyPhen-2: "Possibly Damaging"; Align-GVGD: "Class C0"). ClinVar contains an entry for this variant (Variation ID: 571436). This variant is not present in population databases (gnomAD no frequency). This sequence change replaces arginine, which is basic and polar, with lysine, which is basic and polar, at codon 1790 of the DICER1 protein (p.Arg1790Lys).

NM_177438.3(DICER1):c.5369G>A (p.Arg1790Lys)

Gene: DICER1 (dicer 1, ribonuclease III; minus strand). Cytogenetic location: 14q32.13.
Variant type: single nucleotide variant.
Coding change: c.5369G>A on transcript NM_177438.3 (MANE Select); coding-DNA position 5369, G replaced by A.
Protein change: p.Arg1790Lys; replaces arginine 1790 with lysine.
Molecular consequence: missense variant. On other transcripts: intron variant (1).
Genome position (GRCh38, 1-based): chr14:95,091,361, C>T on the plus strand (G>A on the coding strand, the complement: DICER1 is on the minus strand). VCF-style: chr14-95091361-C-T. GRCh37 (hg19) VCF-style: chr14-95557698-C-T.
Other names: c.5369G>A, p.Arg1790Lys (NM_001271282.3, NM_001291628.2, NM_030621.4); c.5365-252G>A (NM_001195573.1); short protein forms R1790K.
Identifiers: ClinVar variation 571436 (VCV000571436.13), dbSNP rs1566746602, ClinGen allele CA390864819.